The following is an entry in ClinVar:

ClinVar aggregate classification (germline): Pathogenic (1 of 4 stars; one submission).

Submission:

Labcorp Genetics (formerly Invitae), Labcorp
Classification: Pathogenic. Last evaluated: 2023-06-16. Review status: criteria provided, single submitter. Criteria: Invitae Variant Classification Sherloc (09022015). Collection method: clinical testing. Allele origin: germline.
Comment: For these reasons, this variant has been classified as Pathogenic. This variant has not been reported in the literature in individuals affected with LARS2-related conditions. This sequence change creates a premature translational stop signal (p.Gly127Aspfs*31) in the LARS2 gene. It is expected to result in an absent or disrupted protein product. Loss-of-function variants in LARS2 are known to be pathogenic (PMID: 23541342, 30737337). This variant is not present in population databases (gnomAD no frequency).

Literature cited by the submitters: PubMed 23541342; PubMed 30737337.

NM_015340.4(LARS2):c.380del (p.Gly127fs)

Gene: LARS2 (leucyl-tRNA synthetase 2, mitochondrial; plus strand). Cytogenetic location: 3p21.31.
Variant type: Deletion.
Coding change: c.380del on transcript NM_015340.4 (MANE Select); coding-DNA position 380, one base deleted (G; older notation c.380delG).
Protein change: p.Gly127fs; shifts the reading frame from glycine 127.
Molecular consequence: frameshift variant.
Genome position (GRCh38, 1-based): chr3:45,417,498, G deleted; the last of 3 consecutive G bases (chr3:45,417,496-45,417,498); deleting any one gives the same sequence. VCF-style (leftmost placement, unchanged base first): chr3-45417495-TG-T. GRCh37 (hg19) VCF-style: chr3-45458987-TG-T.
Other names: c.380del, p.Gly127fs (NM_001368263.1); short protein forms G127fs.
Identifiers: ClinVar variation 2859976 (VCV002859976.3), dbSNP rs2528806832, ClinGen allele CA2739279431.
Genomic context (GRCh38, chr3:45,417,495, plus strand): 5'-AGTTATTAATGATTTGCCATGGTTGATGTTCCTCTTCTGGGTCCTAGGTCATCAACCCCA[TG>T]GGATGGGATGCTTTTGGATTGCCTGCTGAAAATGCCGCAGTCGAGAGGAATCTACATCCA-3'